The following is an entry in ClinVar:

ClinVar aggregate classification (germline): Pathogenic (1 of 4 stars; one submission).

Submission:

Ambry Genetics
Classification: Pathogenic. Last evaluated: 2026-06-03. Review status: criteria provided, single submitter. Criteria: Ambry Variant Classification Scheme 2023. Collection method: clinical testing. Allele origin: germline.
Comment: The p.E651* pathogenic mutation (also known as c.1951G>T), located in coding exon 1 of the MLH3 gene, results from a G to T substitution at nucleotide position 1951. This changes the amino acid from a glutamic acid to a stop codon within coding exon 1. This variant is considered to be rare based on population cohorts in the Genome Aggregation Database (gnomAD). This alteration is expected to result in loss of function by premature protein truncation or nonsense-mediated mRNA decay. As such, this alteration is interpreted as a disease-causing mutation.

NM_001040108.2(MLH3):c.1951G>T (p.Glu651Ter)

Gene: MLH3 (mutL homolog 3; minus strand). Cytogenetic location: 14q24.3.
Variant type: single nucleotide variant.
Coding change: c.1951G>T on transcript NM_001040108.2 (MANE Select); coding-DNA position 1951, G replaced by T.
Protein change: p.Glu651Ter; replaces glutamic acid 651 with a stop codon.
Molecular consequence: nonsense.
Genome position (GRCh38, 1-based): chr14:75,047,705, C>A on the plus strand (G>T on the coding strand, the complement: MLH3 is on the minus strand). VCF-style: chr14-75047705-C-A. GRCh37 (hg19) VCF-style: chr14-75514408-C-A.
Other names: c.1951G>T, p.Glu651Ter (NM_014381.3); short protein forms E651*.
Identifiers: ClinVar variation 3396772 (VCV003396772.2).
Genomic context (GRCh38, chr14:75,047,705, plus strand): 5'-TGGGCAATTGACCAGATTCTTTACTTAAAGTGCTGGCTAAATCTTTGATGTCTGGAGTTT[C>A]AACTGAATGACGTGTTCTATTTCCAAATGTTTCTTGGGCACGTGTGGGACCAGGTCTAAC-3'